The following is an entry in ClinVar:

ClinVar aggregate classification (germline): Likely pathogenic (1 of 4 stars; one submission).

Allele frequency attached by ClinVar (database versions not stated): gnomAD exomes below 0.00001; ExAC 0.00001.
gnomAD v4.1: 1 of 1,613,950 alleles (0.000062%); highest among the groups gnomAD compares: Non-Finnish European, 0.000085%; no homozygotes.

Submission:

Labcorp Genetics (formerly Invitae), Labcorp
Classification: Likely pathogenic. Last evaluated: 2022-06-01. Review status: criteria provided, single submitter. Criteria: Invitae Variant Classification Sherloc (09022015). Collection method: clinical testing. Allele origin: germline.
Comment: This sequence change affects a donor splice site in intron 5 of the TYMP gene. It is expected to disrupt RNA splicing. Variants that disrupt the donor or acceptor splice site typically lead to a loss of protein function (PMID: 16199547), and loss-of-function variants in TYMP are known to be pathogenic (PMID: 9924029, 15781193). This variant is present in population databases (rs774256786, gnomAD 0.0009%). Disruption of this splice site has been observed in individual(s) with mitochondrial DNA depletion syndrome (PMID: 19523753). Algorithms developed to predict the effect of sequence changes on RNA splicing suggest that this variant may disrupt the consensus splice site. In summary, the currently available evidence indicates that the variant is pathogenic, but additional data are needed to prove that conclusively. Therefore, this variant has been classified as Likely Pathogenic.

Literature cited by the submitters: PubMed 16199547; PubMed 9924029; PubMed 15781193; PubMed 19523753.

NM_001953.5(TYMP):c.646+2T>C

Gene: TYMP (thymidine phosphorylase; minus strand). Cytogenetic location: 22q13.33.
Variant type: single nucleotide variant.
Coding change: c.646+2T>C on transcript NM_001953.5 (MANE Select); the canonical splice donor site of the intron after coding-DNA position 646, T replaced by C.
Molecular consequence: splice donor variant.
Genome position (GRCh38, 1-based): chr22:50,527,586, A>G on the plus strand (T>C on the coding strand, the complement: TYMP is on the minus strand). VCF-style: chr22-50527586-A-G. GRCh37 (hg19) VCF-style: chr22-50966015-A-G.
Other names: c.646+2T>C (NM_001257989.1, NM_001257988.1, NM_001113755.3 and 1 more transcripts).
Identifiers: ClinVar variation 1999087 (VCV001999087.4), dbSNP rs774256786, ClinGen allele CA10321681.